The following is an entry in ClinVar:

ClinVar aggregate classification (germline): Uncertain significance (1 of 4 stars; one submission).

gnomAD v4.1: 1 of 1,613,754 alleles (0.000062%); highest among the groups gnomAD compares: Non-Finnish European, 0.000085%; no homozygotes.

Submission:

GeneDx
Classification: Uncertain significance. Last evaluated: 2025-02-19. Review status: criteria provided, single submitter. Criteria: GeneDx Variant Classification Process June 2021. Collection method: clinical testing. Allele origin: germline. Affected: yes.
Comment: Not observed at significant frequency in large population cohorts (gnomAD); In silico analysis supports that this missense variant has a deleterious effect on protein structure/function; This variant is associated with the following publications: (PMID: 32171587)

NM_000161.3(GCH1):c.730T>C (p.Phe244Leu)

Gene: GCH1 (GTP cyclohydrolase 1; minus strand). Cytogenetic location: 14q22.2.
Variant type: single nucleotide variant.
Coding change: c.730T>C on transcript NM_000161.3 (MANE Select); coding-DNA position 730, T replaced by C.
Protein change: p.Phe244Leu; replaces phenylalanine 244 with leucine.
Molecular consequence: missense variant. On other transcripts: intron variant (3).
Genome position (GRCh38, 1-based): chr14:54,844,040, A>G on the plus strand (T>C on the coding strand, the complement: GCH1 is on the minus strand). VCF-style: chr14-54844040-A-G. GRCh37 (hg19) VCF-style: chr14-55310758-A-G.
Other names: c.730T>C, p.Phe244Leu (NM_001024024.2); c.436T>C, p.Phe146Leu (NM_001424105.1); c.510-986T>C (NM_001424104.1); c.627-986T>C (NM_001024071.2); c.627-171T>C (NM_001024070.2); short protein forms F146L, F244L.
Identifiers: ClinVar variation 4076598 (VCV004076598.1).